The following is an entry in ClinVar:

ClinVar aggregate classification (germline): Likely benign (0 of 4 stars; one submission).

Conditions:
CREBBP-related disorder. Also called: CREBBP-related condition; CREBBP-related disorders.

gnomAD v4.1: 12 of 1,610,808 alleles (0.00074%); highest among the groups gnomAD compares: Admixed American, 0.018%; no homozygotes.

Submission:

PreventionGenetics, part of Exact Sciences
Classification: Likely benign for CREBBP-related condition. Last evaluated: 2023-09-22. Review status: no assertion criteria provided. Collection method: clinical testing. Allele origin: germline.
Comment: This variant is classified as likely benign based on ACMG/AMP sequence variant interpretation guidelines (Richards et al. 2015 PMID: 25741868, with internal and published modifications).

NM_004380.3(CREBBP):c.-9C>G

Genes: CREBBP (CREB binding lysine acetyltransferase; minus strand), LOC130058358 (ATAC-STARR-seq lymphoblastoid silent region 7142; plus strand). Cytogenetic location: 16p13.3.
Variant type: single nucleotide variant.
Coding change: c.-9C>G on transcript NM_004380.3 (MANE Select); 9 bases upstream of the start codon, C replaced by G.
Molecular consequence: 5 prime UTR variant.
Genome position (GRCh38, 1-based): chr16:3,879,925, G>C on the plus strand (C>G on the coding strand, the complement: CREBBP is on the minus strand). VCF-style: chr16-3879925-G-C. GRCh37 (hg19) VCF-style: chr16-3929926-G-C.
Other names: c.-9C>G (NM_001079846.1).
Identifiers: ClinVar variation 3351250 (VCV003351250.1).
Genomic context (GRCh38, chr16:3,879,925, plus strand): 5'-TGAGTTTGGCTCTTTTGGGGTTGGGCGGTCCGTCCAGCAAGTTCTCAGCCATTTTCACCT[G>C]CTCGCGAAAACAGCCCCGGGCACGGGCGGCCGGGCCGGCGAGGGCCCGGACGGGGGTCGG-3'